The following is an entry in ClinVar:

ClinVar aggregate classification (germline): Uncertain significance (1 of 4 stars; one submission).

gnomAD v4.1: 2 of 1,611,078 alleles (0.00012%); highest among the groups gnomAD compares: Non-Finnish European, 0.000085%; no homozygotes.

Submission:

Labcorp Genetics (formerly Invitae), Labcorp
Classification: Uncertain significance. Last evaluated: 2025-08-21. Review status: criteria provided, single submitter. Criteria: Invitae Variant Classification Sherloc (09022015). Collection method: clinical testing. Allele origin: germline.
Comment: This sequence change replaces glutamic acid, which is acidic and polar, with glutamine, which is neutral and polar, at codon 138 of the MFAP5 protein (p.Glu138Gln). This variant is not present in population databases (gnomAD no frequency). This variant has not been reported in the literature in individuals affected with MFAP5-related conditions. ClinVar contains an entry for this variant (Variation ID: 2968102). An algorithm developed to predict the effect of missense changes on protein structure and function (PolyPhen-2) suggests that this variant is likely to be disruptive. In summary, the available evidence is currently insufficient to determine the role of this variant in disease. Therefore, it has been classified as a Variant of Uncertain Significance.

NM_003480.4(MFAP5):c.412G>C (p.Glu138Gln)

Genes: MFAP5 (microfibril associated protein 5; minus strand), LOC126861443 (BRD4-independent group 4 enhancer GRCh37_chr12:8800473-8801672; plus strand). Cytogenetic location: 12p13.31.
Variant type: single nucleotide variant.
Coding change: c.412G>C on transcript NM_003480.4 (MANE Select); coding-DNA position 412, G replaced by C.
Protein change: p.Glu138Gln; replaces glutamic acid 138 with glutamine.
Molecular consequence: missense variant. On other transcripts: non-coding transcript variant (2).
Genome position (GRCh38, 1-based): chr12:8,648,201, C>G on the plus strand (G>C on the coding strand, the complement: MFAP5 is on the minus strand). VCF-style: chr12-8648201-C-G. GRCh37 (hg19) VCF-style: chr12-8800797-C-G.
Other names: c.220G>C, p.Glu74Gln (NM_001297712.2); c.382G>C, p.Glu128Gln (NM_001297709.2); c.346G>C, p.Glu116Gln (NM_001297710.2); c.337G>C, p.Glu113Gln (NM_001297711.2); short protein forms E128Q, E74Q, E113Q, E116Q, E138Q.
Identifiers: ClinVar variation 2968102 (VCV002968102.3), dbSNP rs990633066, ClinGen allele CA232305697.